The following is an entry in ClinVar:

NM_000089.4(COL1A2):c.1251+2T>G

Gene: COL1A2 (collagen type I alpha 2 chain; plus strand). Cytogenetic location: 7q21.3.
Variant type: single nucleotide variant.
Coding change: c.1251+2T>G on transcript NM_000089.4 (MANE Select); the canonical splice donor site of the intron after coding-DNA position 1251, T replaced by G.
Molecular consequence: splice donor variant.
Genome position (GRCh38, 1-based): chr7:94,410,944, T>G. VCF-style: chr7-94410944-T-G. GRCh37 (hg19) VCF-style: chr7-94040256-T-G.
Other names: NC_000007.13:g.94040256T>G; c.1251+2T>G (NM_000089.3).
Identifiers: ClinVar variation 4084680 (VCV004084680.9).
Genomic context (GRCh38, chr7:94,410,944, plus strand): 5'-TGCAGGGTAGTCCTGGTTCTCGTGGTCTTCCTGGAGCTGATGGCAGAGCTGGCGTCATGG[T>G]AAGCTGTCTATCACTTACTTCCTAGAAAGGGGCTTGCTGCTTCTGGTGGTGGGTGTGTCA-3'

ClinVar aggregate classification (germline): Uncertain significance. Review status: criteria provided, multiple submitters, no conflicts (2 of 4 stars). 2 submissions from 2 submitters: Uncertain significance (2). Last evaluated 2025-12-22.

Conditions:
Cardiovascular phenotype. Identifiers: MedGen CN230736.

gnomAD v4.1: 4 of 1,614,074 alleles (0.00025%); highest among the groups gnomAD compares: Non-Finnish European, 0.00034%; no homozygotes.

Submissions (3):

Ambry Genetics
Classification: Uncertain significance for Cardiovascular phenotype. Last evaluated: 2025-12-22. Review status: criteria provided, single submitter. Criteria: Ambry Variant Classification Scheme 2023. Collection method: clinical testing. Allele origin: germline.
Comment: The c.1251+2T>G intronic variant consists of a T to G substitution two nucleotides after exon 22 (coding exon 22) of the COL1A2 gene. Alterations that disrupt the canonical splice site are expected to result in aberrant splicing. The resulting transcript is predicted to be in-frame and is not expected to trigger nonsense-mediated mRNA decay, although direct evidence is unavailable. This variant was not reported in population-based cohorts in the Genome Aggregation Database (gnomAD). This nucleotide position is highly conserved in available vertebrate species. In silico splice site analysis predicts that this alteration will weaken the native splice donor site. Based on insufficient or conflicting evidence, the clinical significance of this alteration remains unclear.

CeGaT Center for Human Genetics Tuebingen
Classification: Uncertain significance. Last evaluated: 2025-07-01. Review status: criteria provided, single submitter. Criteria: CeGaT Center For Human Genetics Tuebingen Variant Classification Criteria Version 2. Collection method: clinical testing. Allele origin: germline. Affected: yes. Observed: 1 variant allele.
Comment: COL1A2: PVS1:Moderate, PM2:Supporting

Dr. Peter K. Rogan Lab, Western University
No classification provided (evidence only). Condition: Ovarian serous cystadenocarcinoma. Review status: no classification provided. Collection method: in vitro. Allele origin: not applicable. Functional consequence: retained intron. Not counted in ClinVar's aggregate classification.